The following is an entry in ClinVar:

NM_000179.3(MSH6):c.3367G>A (p.Glu1123Lys)

Gene: MSH6 (mutS homolog 6; plus strand). Cytogenetic location: 2p16.3.
Variant type: single nucleotide variant.
Coding change: c.3367G>A on transcript NM_000179.3 (MANE Select); coding-DNA position 3367, G replaced by A.
Protein change: p.Glu1123Lys; replaces glutamic acid 1123 with lysine.
Molecular consequence: missense variant. On other transcripts: non-coding transcript variant (5).
Genome position (GRCh38, 1-based): chr2:47,803,614, G>A. VCF-style: chr2-47803614-G-A. GRCh37 (hg19) VCF-style: chr2-48030753-G-A.
Other names: c.2977G>A, p.Glu993Lys (NM_001281492.2); c.2461G>A, p.Glu821Lys (NM_001281493.2, NM_001281494.2, NM_001406811.1 and 6 more transcripts); c.3463G>A, p.Glu1155Lys (NM_001406795.1, NM_001406802.1); c.3367G>A, p.Glu1123Lys (NM_001406796.1, NM_001406800.1, NM_001406808.1 and 1 more transcripts); c.3070G>A, p.Glu1024Lys (NM_001406797.1, NM_001406801.1, NM_001406805.1 and 10 more transcripts); c.3193G>A, p.Glu1065Lys (NM_001406798.1); c.2842G>A, p.Glu948Lys (NM_001406799.1, NM_001406806.1, NM_001406807.1); c.2503G>A, p.Glu835Lys (NM_001406803.1); and 7 more; short protein forms E1065K, E1097K, E1125K, E1155K, E72K, E993K, E1067K, E821K.
Identifiers: ClinVar variation 3398957 (VCV003398957.1).

ClinVar aggregate classification (germline): Uncertain significance (1 of 4 stars; one submission).

Conditions:
Hereditary cancer-predisposing syndrome. Also called: Hereditary Cancer Syndrome; Tumor predisposition; Hereditary neoplastic syndrome; Neoplastic Syndromes, Hereditary. Identifiers: Orphanet 140162, MedGen C0027672, MeSH D009386, MONDO:0015356.

Submission:

Ambry Genetics
Classification: Uncertain significance for Hereditary cancer-predisposing syndrome. Last evaluated: 2024-11-10. Review status: criteria provided, single submitter. Criteria: Ambry Variant Classification Scheme 2023. Collection method: clinical testing. Allele origin: germline.
Comment: The p.E1123K variant (also known as c.3367G>A), located in coding exon 5 of the MSH6 gene, results from a G to A substitution at nucleotide position 3367. The glutamic acid at codon 1123 is replaced by lysine, an amino acid with similar properties. This amino acid position is conserved. In addition, this alteration is predicted to be tolerated by in silico analysis. Based on the available evidence, the clinical significance of this variant remains unclear.